The following is an entry in ClinVar:

NM_000260.4(MYO7A):c.1817G>A (p.Arg606His)

Gene: MYO7A (myosin VIIA; plus strand). Cytogenetic location: 11q13.5.
Variant type: single nucleotide variant.
Coding change: c.1817G>A on transcript NM_000260.4 (MANE Select); coding-DNA position 1817, G replaced by A.
Protein change: p.Arg606His; replaces arginine 606 with histidine.
Molecular consequence: missense variant.
Genome position (GRCh38, 1-based): chr11:77,172,767, G>A. VCF-style: chr11-77172767-G-A. GRCh37 (hg19) VCF-style: chr11-76883813-G-A.
Other names: NM_000260.3(MYO7A):c.1817G>A(p.Arg606His); NM_000260.3(MYO7A):c.1817G>A; p.Arg606His; NM_000260.4(MYO7A):c.1817G>A; c.1817G>A, p.Arg606His (NM_001127180.2); c.1784G>A, p.Arg595His (NM_001369365.1); short protein forms R606H, R595H.
Identifiers: ClinVar variation 517357 (VCV000517357.20), dbSNP rs782311929, ClinGen allele CA6197622.

ClinVar aggregate classification (germline): Uncertain significance. Review status: reviewed by expert panel (3 of 4 stars). 10 submissions from 8 submitters: Uncertain significance (1). 9 of the submissions do not count toward it. Last evaluated 2023-07-19.

Conditions:
MYO7A-related disorder. Also called: MYO7A-related disorders.
Usher syndrome type 1 (USH1). Also called: RETINITIS PIGMENTOSA AND CONGENITAL DEAFNESS. Identifiers: Orphanet 231169, Orphanet 886, MedGen C1568247, MONDO:0010168, OMIM 276900.
Autosomal dominant nonsyndromic hearing loss 11. Identifiers: Orphanet 90635, MedGen C1832475, MONDO:0011032, OMIM 601317.
Autosomal recessive nonsyndromic hearing loss 2. Also called: DEAFNESS, AUTOSOMAL RECESSIVE 2; NEUROSENSORY NONSYNDROMIC RECESSIVE DEAFNESS 2. Identifiers: Orphanet 90636, MedGen C1838701, MONDO:0010807, OMIM 600060.
Usher syndrome type 1B (USH1B). Also called: Usher syndrome type IB. Identifiers: MedGen C1848638, MONDO:0700087.
Nonsyndromic genetic hearing loss. Also called: Non-syndromic genetic deafness; Nonsyndromic genetic deafness; Nonsyndromic hearing loss and deafness. Identifiers: Orphanet 87884, MedGen C5680182, MONDO:0019497.

Allele frequency attached by ClinVar (database versions not stated): TOPMed 0.00003; ExAC 0.00015.
gnomAD v4.1: 77 of 1,558,530 alleles (0.0049%); highest among the groups gnomAD compares: South Asian, 0.036%; no homozygotes.

Submissions (10):

ClinGen Hearing Loss Variant Curation Expert Panel
Classification: Uncertain significance for Nonsyndromic genetic hearing loss. Last evaluated: 2023-07-19. Review status: reviewed by expert panel. Criteria: Clingen Hl Acmg Specifications Cdh23 Coch Gjb2 Kcnq4 Myo6 Myo7a Slc26a4 Tecta Ush2a V2. Collection method: curation. Allele origin: germline. Inheritance: Autosomal recessive inheritance.
Comment: The c.1817 G>A (NM_000260.4(MYO7A):c.1817G>A (p.Arg606His)) variant in MYO7A is a missense variant predicted to cause substitution of Arginine by Histidine at amino acid 606. The highest major allele frequency in gnomAD v2.1.1 is 0.00035 (0.035 % or 8/23092 alleles) in the South Asian population (PM2_supporting, BS1, and BA1 not met). The computational predictor REVEL gives a score of 0.832, (which is above the threshold of 0.7), evidence that correlates with impact to MYO7A function (PP3). This variant has been detected in at least one individual with autosomal recessive nonsyndromic genetic hearing loss. In summary, this variant meets the criteria to be classified as uncertain significance for autosomal recessive nonsyndromic genetic deafness, based on the ACMG/AMP criteria applied, as specified by the ClinGen Hearing Loss VCEP: (PP3, PM3; Version 2, 7.19.2023).

PreventionGenetics, part of Exact Sciences
Classification: Uncertain significance for MYO7A-related condition. Last evaluated: 2026-07-06. Review status: criteria provided, single submitter. Criteria: ACMG Guidelines, 2015. Collection method: clinical testing. Allele origin: germline. Not counted in ClinVar's aggregate classification.
Comment: The MYO7A c.1817G>A variant is predicted to result in the amino acid substitution p.Arg606His. This variant was reported was reported as a variant of uncertain significance in an analysis of variants in hearing loss genes (supplementary data, Oza et al. 2018. PubMed ID: 30311386). This variant is reported in 0.035% of alleles in individuals of South Asian descent in gnomAD. At this time, the clinical significance of this variant is uncertain due to the absence of conclusive functional and genetic evidence.

Blueprint Genetics
Classification: Uncertain significance. Last evaluated: 2024-11-13. Review status: criteria provided, single submitter. Criteria: ACMG Guidelines, 2015. Collection method: clinical testing. Allele origin: germline. Not counted in ClinVar's aggregate classification.

Labcorp Genetics (formerly Invitae), Labcorp
Classification: Uncertain significance. Last evaluated: 2022-09-07. Review status: criteria provided, single submitter. Criteria: Invitae Variant Classification Sherloc (09022015). Collection method: clinical testing. Allele origin: germline. Not counted in ClinVar's aggregate classification.
Comment: This sequence change replaces arginine, which is basic and polar, with histidine, which is basic and polar, at codon 606 of the MYO7A protein (p.Arg606His). The frequency data for this variant in the population databases is considered unreliable, as metrics indicate poor data quality at this position in the gnomAD database. This variant has not been reported in the literature in individuals affected with MYO7A-related conditions. ClinVar contains an entry for this variant (Variation ID: 517357). Algorithms developed to predict the effect of missense changes on protein structure and function are either unavailable or do not agree on the potential impact of this missense change (SIFT: "Deleterious"; PolyPhen-2: "Probably Damaging"; Align-GVGD: "Class C0"). In summary, the available evidence is currently insufficient to determine the role of this variant in disease. Therefore, it has been classified as a Variant of Uncertain Significance.

Centre for Mendelian Genomics, University Medical Centre Ljubljana
Classification: Uncertain significance for Autosomal dominant nonsyndromic hearing loss 11. Last evaluated: 2020-01-16. Review status: criteria provided, single submitter. Criteria: ACMG Guidelines, 2015. Collection method: clinical testing. Allele origin: unknown. Affected: yes. Not counted in ClinVar's aggregate classification.
Comment: This variant was classified as: Uncertain significance. The available evidence on this variant's pathogenicity is insufficient or conflicting. The following ACMG criteria were applied in classifying this variant: PP3.

Laboratory for Molecular Medicine, Mass General Brigham Personalized Medicine
Classification: Uncertain significance. Last evaluated: 2017-07-27. Review status: criteria provided, single submitter. Criteria: LMM Criteria. Collection method: clinical testing. Allele origin: germline. Observed: 2 variant alleles. Not counted in ClinVar's aggregate classification.
Comment: Variant classified as Uncertain Significance - Favor Pathogenic. The p.Arg606His variant in MYO7A has been reported in 1 individual with Usher syndrome type I; however, this individual also harbored a homozygous CDH23 variant that likely ex plained the disease (Le Quesne Stabej et al. 2012; LOVD LOVD2/Usher_montpellier). This variant has been identified in 2/14988 European chr omosomes and 1/1622 East Asian chromosomes by the Genome Aggregation Database (g nomAD; dbSNP rs782311929); however, this frequ ency is not high enough to rule out a pathogenic role. Computational prediction tools and conservation analyses suggest that this variant may impact the protein , though this information is not predictive enough to determine pathogenicity. I n summary, while there is some suspicion for a pathogenic role, the clinical sig nificance of this variant is uncertain.

Illumina Laboratory Services, Illumina
Classification: Uncertain significance for Autosomal recessive nonsyndromic hearing loss 2. Last evaluated: 2017-04-27. Review status: criteria provided, single submitter. Criteria: ICSL Variant Classification Criteria 13 December 2019. Collection method: clinical testing. Allele origin: germline. Not counted in ClinVar's aggregate classification.

Illumina Laboratory Services, Illumina
Classification: Uncertain significance for Usher syndrome type 1. Last evaluated: 2017-04-27. Review status: criteria provided, single submitter. Criteria: ICSL Variant Classification Criteria 13 December 2019. Collection method: clinical testing. Allele origin: germline. Not counted in ClinVar's aggregate classification.
Comment: This variant was observed as part of a predisposition screen in an ostensibly healthy population. A literature search was performed for the gene, cDNA change, and amino acid change (where applicable). Publications were found based on this search. However, the evidence from the literature, in combination with allele frequency data from public databases where available, was not sufficient to rule this variant in or out of causing disease. Therefore, this variant is classified as a variant of unknown significance.

Illumina Laboratory Services, Illumina
Classification: Uncertain significance for Autosomal dominant nonsyndromic hearing loss 11. Last evaluated: 2017-04-27. Review status: criteria provided, single submitter. Criteria: ICSL Variant Classification Criteria 13 December 2019. Collection method: clinical testing. Allele origin: germline. Not counted in ClinVar's aggregate classification.

Natera, Inc.
Classification: Uncertain significance for Usher syndrome type 1B. Last evaluated: 2020-09-16. Review status: no assertion criteria provided. Collection method: clinical testing. Allele origin: germline. Not counted in ClinVar's aggregate classification.

Literature cited by the submitters: PubMed 22135276 (cited by Laboratory for Molecular Medicine, Mass General Brigham Personalized Medicine and Illumina Laboratory Services, Illumina).